The following is an entry in ClinVar:

NM_031433.4(MFRP):c.1013G>A (p.Ser338Asn)

Genes: C1QTNF5 (C1q and TNF related 5; minus strand), MFRP (membrane frizzled-related protein; minus strand). Cytogenetic location: 11q23.3.
Variant type: single nucleotide variant.
Coding change: c.1013G>A on transcript NM_031433.4 (MANE Select); coding-DNA position 1013, G replaced by A.
Protein change: p.Ser338Asn; replaces serine 338 with asparagine.
Molecular consequence: missense variant. On other transcripts: 5 prime UTR variant (1).
Genome position (GRCh38, 1-based): chr11:119,343,927, C>T on the plus strand (G>A on the coding strand, the complement: MFRP is on the minus strand). VCF-style: chr11-119343927-C-T. GRCh37 (hg19) VCF-style: chr11-119214637-C-T.
Other names: c.-1624G>A (NM_015645.5); short protein forms S338N.
Identifiers: ClinVar variation 1450230 (VCV001450230.8), dbSNP rs147614299, ClinGen allele CA6320280.
Genomic context (GRCh38, chr11:119,343,927, plus strand): 5'-TAGTCAAACTTGCACTCGTCCTGAGCCTCCAGGCTGAAGTTGTGGAACTGTAGTTCTATG[C>T]TGTGTCCGGCAGGCACCGAGATATGCCAGGTGCAGAGCTGGGGGAGGGCATAGGTGGAGC-3'
Protein context (NP_113621.1, residues 328-348): TWHISVPAGH[Ser338Asn]IELQFHNFSL

ClinVar aggregate classification (germline): Uncertain significance (1 of 4 stars; one submission).

Conditions:
Isolated microphthalmia 5. Also called: Posterior Microphthalmia with Retinitis Pigmentosa, Foveoschisis, and Optic Disc Drusen. Identifiers: Orphanet 251279, MedGen C1970236, MONDO:0012605, OMIM 611040.

Allele frequency attached by ClinVar (database versions not stated): gnomAD exomes 0.00001 and 0.00002; gnomAD 0.00003 and 0.00004; TOPMed 0.00007; ESP Exome Variant Server 0.00015; ExAC 0.00002.
gnomAD v4.1: 12 of 1,613,302 alleles (0.00074%); highest among the groups gnomAD compares: African/African-American, 0.013%; no homozygotes.

Submission:

Labcorp Genetics (formerly Invitae), Labcorp
Classification: Uncertain significance for Isolated microphthalmia 5. Last evaluated: 2021-04-10. Review status: criteria provided, single submitter. Criteria: Invitae Variant Classification Sherloc (09022015). Collection method: clinical testing. Allele origin: germline.
Comment: In summary, the available evidence is currently insufficient to determine the role of this variant in disease. Therefore, it has been classified as a Variant of Uncertain Significance. Algorithms developed to predict the effect of missense changes on protein structure and function (SIFT, PolyPhen-2, Align-GVGD) all suggest that this variant is likely to be tolerated, but these predictions have not been confirmed by published functional studies and their clinical significance is uncertain. This variant has not been reported in the literature in individuals with MFRP-related conditions. This variant is present in population databases (rs147614299, ExAC 0.03%). This sequence change replaces serine with asparagine at codon 338 of the MFRP protein (p.Ser338Asn). The serine residue is weakly conserved and there is a small physicochemical difference between serine and asparagine.